The following is an entry in ClinVar:

NM_001199107.2(TBC1D24):c.1360A>G (p.Lys454Glu)

Gene: TBC1D24 (TBC1 domain family member 24; plus strand). Cytogenetic location: 16p13.3.
Variant type: single nucleotide variant.
Coding change: c.1360A>G on transcript NM_001199107.2 (MANE Select); coding-DNA position 1360, A replaced by G.
Protein change: p.Lys454Glu; replaces lysine 454 with glutamic acid.
Molecular consequence: missense variant.
Genome position (GRCh38, 1-based): chr16:2,500,325, A>G. VCF-style: chr16-2500325-A-G. GRCh37 (hg19) VCF-style: chr16-2550326-A-G.
Other names: c.1342A>G, p.Lys448Glu (NM_020705.3); short protein forms K448E, K454E.
Identifiers: ClinVar variation 1163388 (VCV001163388.10), dbSNP rs758697406, ClinGen allele CA7844275.
Genomic context (GRCh38, chr16:2,500,325, plus strand): 5'-CAGCTGCAGCCTGAGGTGCAGCGCTACGAGTGGGTGGTGATCAAGCACCCCGAGCTGACC[A>G]AGCCCCCACCCTTGATGGCTGCCGAGCCCACCGCCCCACTCAGCCACTCCGCCTCCTCAG-3'
Protein context (NP_001186036.1, residues 444-464): WVVIKHPELT[Lys454Glu]PPPLMAAEPT

ClinVar aggregate classification (germline): Uncertain significance. Review status: criteria provided, multiple submitters, no conflicts (2 of 4 stars). 3 submissions from 3 submitters: Uncertain significance (3). Last evaluated 2025-10-01.

Conditions:
Developmental and epileptic encephalopathy, 1 (DEE1). Also called: X-linked infantile spasms; West's syndrome; Tonic spasms with clustering, arrest of psychomotor development and hypsarrhythmia on EEG; X-Linked Infantile Spasm Syndrome; OHTAHARA SYNDROME, X-LINKED; INFANTILE SPASM SYNDROME, X-LINKED 1. Identifiers: MedGen C3463992, MONDO:0010632, OMIM 308350. Disease mechanism: loss of function.
Autosomal dominant nonsyndromic hearing loss 65. Also called: Deafness, autosomal dominant 65; TBC1D24-Related Autosomal Dominant Nonsyndromic Hearing Loss (DFNA). Identifiers: Orphanet 90635, MedGen C3892048, MONDO:0014470, OMIM 616044.
Inborn genetic diseases. Identifiers: MedGen C0950123, MeSH D030342.

Allele frequency attached by ClinVar (database versions not stated): gnomAD exomes 0.00002; gnomAD 0.00003; TOPMed 0.00003; ExAC 0.00004.

Submissions (3):

Labcorp Genetics (formerly Invitae), Labcorp
Classification: Uncertain significance for Developmental and epileptic encephalopathy, 1; Autosomal dominant nonsyndromic hearing loss 65. Last evaluated: 2025-10-01. Review status: criteria provided, single submitter. Criteria: Invitae Variant Classification Sherloc (09022015). Collection method: clinical testing. Allele origin: germline.
Comment: This sequence change replaces lysine, which is basic and polar, with glutamic acid, which is acidic and polar, at codon 454 of the TBC1D24 protein (p.Lys454Glu). This variant is present in population databases (rs758697406, gnomAD 0.004%). This variant has not been reported in the literature in individuals affected with TBC1D24-related conditions. ClinVar contains an entry for this variant (Variation ID: 1163388). Invitae Evidence Modeling of protein sequence and biophysical properties (such as structural, functional, and spatial information, amino acid conservation, physicochemical variation, residue mobility, and thermodynamic stability) indicates that this missense variant is not expected to disrupt TBC1D24 protein function with a negative predictive value of 95%. In summary, the available evidence is currently insufficient to determine the role of this variant in disease. Therefore, it has been classified as a Variant of Uncertain Significance.

Ambry Genetics
Classification: Uncertain significance for Inborn genetic diseases. Last evaluated: 2024-10-21. Review status: criteria provided, single submitter. Criteria: Ambry Variant Classification Scheme 2023. Collection method: clinical testing. Allele origin: germline.

Mayo Clinic Laboratories, Mayo Clinic
Classification: Uncertain significance. Last evaluated: 2020-07-17. Review status: criteria provided, single submitter. Criteria: ACMG Guidelines, 2015. Collection method: clinical testing. Allele origin: germline. Observed: 1 variant allele.